The following is an entry in ClinVar:

NM_001089.3(ABCA3):c.4393G>A (p.Asp1465Asn)

Gene: ABCA3 (ATP binding cassette subfamily A member 3; minus strand). Cytogenetic location: 16p13.3.
Variant type: single nucleotide variant.
Coding change: c.4393G>A on transcript NM_001089.3 (MANE Select); coding-DNA position 4393, G replaced by A.
Protein change: p.Asp1465Asn; replaces aspartic acid 1465 with asparagine.
Molecular consequence: missense variant.
Genome position (GRCh38, 1-based): chr16:2,279,097, C>T on the plus strand (G>A on the coding strand, the complement: ABCA3 is on the minus strand). VCF-style: chr16-2279097-C-T. GRCh37 (hg19) VCF-style: chr16-2329098-C-T.
Other names: short protein forms D1465N.
Identifiers: ClinVar variation 886356 (VCV000886356.12), dbSNP rs201955122, ClinGen allele CA7840133.
Genomic context (GRCh38, chr16:2,279,097, plus strand): 5'-CCCGGAGCCGAGCGTACATGACCAGCATCTCCCGGCCTGTCATGTGGTCCAGCAAGGCAT[C>T]AAACTGCGGGCAGTAGCCGATCCGCTGCCGCACCTGGGGTCGGAGCATAGCCGGGGAGGG-3'
Protein context (NP_001080.2, residues 1455-1475): RQRIGYCPQF[Asp1465Asn]ALLDHMTGRE

ClinVar aggregate classification (germline): Uncertain significance. Review status: criteria provided, multiple submitters, no conflicts (2 of 4 stars). 6 submissions from 6 submitters: Uncertain significance (6). Last evaluated 2025-11-10.

Conditions:
Interstitial lung disease due to ABCA3 deficiency. Also called: PULMONARY ALVEOLAR PROTEINOSIS, CONGENITAL, 3. Identifiers: Orphanet 440402, MedGen C1970456, MONDO:0012582, OMIM 610921.

Allele frequency attached by ClinVar (database versions not stated): gnomAD exomes 0.00005 and 0.00012; gnomAD 0.00006 and 0.00009; TOPMed 0.00011; ExAC 0.00014; 1000 Genomes Project 30x 0.00016; 1000 Genomes Project 0.00020.
gnomAD v4.1: 93 of 1,612,454 alleles (0.0058%); highest among the groups gnomAD compares: East Asian, 0.082%; no homozygotes.

Submissions (6):

Labcorp Genetics (formerly Invitae), Labcorp
Classification: Uncertain significance. Last evaluated: 2025-11-10. Review status: criteria provided, single submitter. Criteria: Invitae Variant Classification Sherloc (09022015). Collection method: clinical testing. Allele origin: germline.
Comment: This sequence change replaces aspartic acid, which is acidic and polar, with asparagine, which is neutral and polar, at codon 1465 of the ABCA3 protein (p.Asp1465Asn). This variant is present in population databases (rs201955122, gnomAD 0.1%). This missense change has been observed in individual(s) with cataract-microcornea syndrome (PMID: 25406294). ClinVar contains an entry for this variant (Variation ID: 886356). Invitae Evidence Modeling of protein sequence and biophysical properties (such as structural, functional, and spatial information, amino acid conservation, physicochemical variation, residue mobility, and thermodynamic stability) indicates that this missense variant is not expected to disrupt ABCA3 protein function with a negative predictive value of 80%. In summary, the available evidence is currently insufficient to determine the role of this variant in disease. Therefore, it has been classified as a Variant of Uncertain Significance.

Johns Hopkins Genomics, Johns Hopkins University
Classification: Uncertain significance for Interstitial lung disease due to ABCA3 deficiency. Last evaluated: 2023-05-24. Review status: criteria provided, single submitter. Criteria: ACMG Guidelines, 2015. Collection method: clinical testing. Allele origin: germline.
Comment: This ABCA3 missense variant (rs201955122) is present in a large population dataset (gnomAD v2.1.1: 32/281330 total alleles; 0.01%; no homozygotes). It has been reported in ClinVar (Variation ID 886356), but has not been reported in the literature in association with pulmonary disease, to our knowledge. Two bioinformatic tools queried predict that this substitution would be damaging, and the aspartic acid residue at this position is evolutionarily conserved across all of the species assessed. We consider the clinical significance of c.4393G>A in ABCA3 to be uncertain.

GeneDx
Classification: Uncertain significance. Last evaluated: 2020-04-21. Review status: criteria provided, single submitter. Criteria: GeneDx Variant Classification Process June 2021. Collection method: clinical testing. Allele origin: germline. Affected: yes.
Comment: Identified in multiple affected individuals in the same family with cataract microcornea syndrome in the published literature (Chen et al., 2014) who also had 2 other variants, likely in cis, in the ABCA3 gene; Identified without a second variant in a fetus with multiple malformations in the published literature (Guo et al., 2019) but in whom a different molecular mechanism was identified; In silico analysis supports that this missense variant has a deleterious effect on protein structure/function; This variant is associated with the following publications: (PMID: 25406294, 31152388)

Illumina Laboratory Services, Illumina
Classification: Uncertain significance for Interstitial lung disease due to ABCA3 deficiency. Last evaluated: 2017-10-13. Review status: criteria provided, single submitter. Criteria: ICSL Variant Classification Criteria 13 December 2019. Collection method: clinical testing. Allele origin: germline.
Comment: This variant was observed as part of a predisposition screen in an ostensibly healthy population. A literature search was performed for the gene, cDNA change, and amino acid change (where applicable). Publications were found based on this search. However, the evidence from the literature, in combination with allele frequency data from public databases where available, was not sufficient to rule this variant in or out of causing disease. Therefore, this variant is classified as a variant of unknown significance.

Breakthrough Genomics
Classification: Uncertain significance. Review status: criteria provided, single submitter. Criteria: ACMG Guidelines, 2015. Collection method: not provided. Allele origin: germline. Inheritance: Autosomal recessive inheritance. Affected: yes.

Juno Genomics, Hangzhou Juno Genomics, Inc
Classification: Uncertain significance for Interstitial lung disease due to ABCA3 deficiency. Review status: criteria provided, single submitter. Criteria: ACMG Guidelines, 2015. Collection method: clinical testing. Allele origin: germline.
Comment: Absent from controls (or at extremely low frequency if recessive) in Genome Aggregation Database.;Multiple lines of computational evidence support a deleterious effect on the gene or gene product.

Literature cited by the submitters: PubMed 25406294 (cited by 3 submitters); PubMed 19220077 (cited by Johns Hopkins Genomics, Johns Hopkins University); PubMed 28642621 (cited by Johns Hopkins Genomics, Johns Hopkins University).